The following is an entry in ClinVar:

NM_001197104.2(KMT2A):c.4463A>T (p.Gln1488Leu)

Gene: KMT2A (lysine methyltransferase 2A; plus strand). Cytogenetic location: 11q23.3.
Variant type: single nucleotide variant.
Coding change: c.4463A>T on transcript NM_001197104.2 (MANE Select); coding-DNA position 4463, A replaced by T.
Protein change: p.Gln1488Leu; replaces glutamine 1488 with leucine.
Molecular consequence: missense variant.
Genome position (GRCh38, 1-based): chr11:118,488,744, A>T. VCF-style: chr11-118488744-A-T. GRCh37 (hg19) VCF-style: chr11-118359459-A-T.
Other names: c.4562A>T, p.Gln1521Leu (NM_001412597.1); c.4463A>T, p.Gln1488Leu (NM_005933.4); short protein forms Q1488L, Q1521L.
Identifiers: ClinVar variation 4800534 (VCV004800534.1).
Genomic context (GRCh38, chr11:118,488,744, plus strand): 5'-AGGACCAGCTGGAAAATTGGTGTTGTCGTCGTTGCAAATTCTGTCACGTTTGTGGAAGGC[A>T]ACATCAGGCTACAAAGGTACAAAACTTGGTAATAGAACTACAGCTGGGCCTCTGTATCAG-3'
Protein context (NP_001184033.1, residues 1478-1498): RCKFCHVCGR[Gln1488Leu]HQATKQLLEC

ClinVar aggregate classification (germline): Uncertain significance (1 of 4 stars; one submission).

Submission:

Labcorp Genetics (formerly Invitae), Labcorp
Classification: Uncertain significance. Last evaluated: 2025-04-11. Review status: criteria provided, single submitter. Criteria: Invitae Variant Classification Sherloc (09022015). Collection method: clinical testing. Allele origin: germline.
Comment: This sequence change replaces glutamine, which is neutral and polar, with leucine, which is neutral and non-polar, at codon 1488 of the KMT2A protein (p.Gln1488Leu). This variant is not present in population databases (gnomAD no frequency). This variant has not been reported in the literature in individuals affected with KMT2A-related conditions. Invitae Evidence Modeling of protein sequence and biophysical properties (such as structural, functional, and spatial information, amino acid conservation, physicochemical variation, residue mobility, and thermodynamic stability) has been performed for this missense variant. However, the output from this modeling did not meet the statistical confidence thresholds required to predict the impact of this variant on KMT2A protein function. In summary, the available evidence is currently insufficient to determine the role of this variant in disease. Therefore, it has been classified as a Variant of Uncertain Significance.